The following is an entry in ClinVar:

NM_001267052.2(UNC45B):c.381G>A (p.Lys127=)

Gene: UNC45B (unc-45 myosin chaperone B; plus strand). Cytogenetic location: 17q12.
Variant type: single nucleotide variant.
Coding change: c.381G>A on transcript NM_001267052.2 (MANE Select); coding-DNA position 381, G replaced by A.
Protein change: p.Lys127=; no amino-acid change (lysine 127 retained).
Molecular consequence: synonymous variant.
Genome position (GRCh38, 1-based): chr17:35,150,223, G>A. VCF-style: chr17-35150223-G-A. GRCh37 (hg19) VCF-style: chr17-33477242-G-A.
Other names: c.381G>A, p.Lys127= (NM_001033576.2, NM_001308281.1, NM_173167.3).
Identifiers: ClinVar variation 677214 (VCV000677214.11), dbSNP rs80100968, ClinGen allele CA8500763.

ClinVar aggregate classification (germline): Benign. Review status: criteria provided, multiple submitters, no conflicts (2 of 4 stars). 3 submissions from 3 submitters: Benign (3). Last evaluated 2026-01-27.

Allele frequency attached by ClinVar (database versions not stated): 1000 Genomes Project 30x 0.02904; 1000 Genomes Project 0.02955; TOPMed 0.05274; gnomAD 0.05923 and 0.06045; gnomAD exomes 0.06437 and 0.08788; ExAC 0.06700; ESP Exome Variant Server 0.06705.
gnomAD v4.1: 135,814 of 1,606,556 alleles (8.5%); highest among the groups gnomAD compares: Non-Finnish European, 10%; 6,588 homozygotes.

Submissions (11):

Labcorp Genetics (formerly Invitae), Labcorp
Classification: Benign. Last evaluated: 2026-01-27. Review status: criteria provided, single submitter. Criteria: Invitae Variant Classification Sherloc (09022015). Collection method: clinical testing. Allele origin: germline.

GeneDx
Classification: Benign. Last evaluated: 2018-04-12. Review status: criteria provided, single submitter. Criteria: GeneDx Variant Classification (06012015). Collection method: clinical testing. Allele origin: germline. Affected: yes.
Comment: This variant is considered likely benign or benign based on one or more of the following criteria: it is a conservative change, it occurs at a poorly conserved position in the protein, it is predicted to be benign by multiple in silico algorithms, and/or has population frequency not consistent with disease.

Breakthrough Genomics
Classification: Benign. Review status: criteria provided, single submitter. Criteria: ACMG Guidelines, 2015. Collection method: not provided. Allele origin: germline. Inheritance: Autosomal recessive inheritance. Affected: yes.

Dr. Peter K. Rogan Lab, Western University
No classification provided (evidence only). Condition: Colorectal cancer. Review status: no classification provided. Collection method: in vitro. Allele origin: not applicable. Functional consequence: retained intron. Not counted in ClinVar's aggregate classification.

Dr. Peter K. Rogan Lab, Western University
No classification provided (evidence only). Condition: Colorectal cancer. Review status: no classification provided. Collection method: in vitro. Allele origin: not applicable. Functional consequence: retained intron. Not counted in ClinVar's aggregate classification.

Dr. Peter K. Rogan Lab, Western University
No classification provided (evidence only). Condition: Colorectal cancer. Review status: no classification provided. Collection method: in vitro. Allele origin: not applicable. Functional consequence: retained intron. Not counted in ClinVar's aggregate classification.

Dr. Peter K. Rogan Lab, Western University
No classification provided (evidence only). Condition: Colorectal cancer. Review status: no classification provided. Collection method: in vitro. Allele origin: not applicable. Functional consequence: retained intron. Not counted in ClinVar's aggregate classification.

Dr. Peter K. Rogan Lab, Western University
No classification provided (evidence only). Condition: Uterine carcinosarcoma. Review status: no classification provided. Collection method: in vitro. Allele origin: not applicable. Functional consequence: retained intron. Not counted in ClinVar's aggregate classification.

Dr. Peter K. Rogan Lab, Western University
No classification provided (evidence only). Condition: Uterine carcinosarcoma. Review status: no classification provided. Collection method: in vitro. Allele origin: not applicable. Functional consequence: retained intron. Not counted in ClinVar's aggregate classification.

Dr. Peter K. Rogan Lab, Western University
No classification provided (evidence only). Condition: Uveal melanoma. Review status: no classification provided. Collection method: in vitro. Allele origin: not applicable. Functional consequence: retained intron. Not counted in ClinVar's aggregate classification.

Dr. Peter K. Rogan Lab, Western University
No classification provided (evidence only). Condition: Uveal melanoma. Review status: no classification provided. Collection method: in vitro. Allele origin: not applicable. Functional consequence: retained intron. Not counted in ClinVar's aggregate classification.